The following is an entry in ClinVar:

ClinVar aggregate classification (germline): Likely pathogenic (1 of 4 stars; one submission).

Conditions:
Cortical dysplasia-focal epilepsy syndrome (PTHSL1). Also called: Pitt-Hopkins-like syndrome 1. Identifiers: Orphanet 163681, Orphanet 221150, MedGen C2750246, MONDO:0012400, OMIM 610042.

Submission:

Labcorp Genetics (formerly Invitae), Labcorp
Classification: Likely pathogenic for Cortical dysplasia-focal epilepsy syndrome. Last evaluated: 2020-01-21. Review status: criteria provided, single submitter. Criteria: Invitae Variant Classification Sherloc (09022015). Collection method: clinical testing. Allele origin: germline.
Comment: This sequence change affects an acceptor splice site in intron 1 of the CNTNAP2 gene. It is expected to disrupt RNA splicing and likely results in an absent or disrupted protein product. In summary, the currently available evidence indicates that the variant is pathogenic, but additional data are needed to prove that conclusively. Therefore, this variant has been classified as Likely Pathogenic. Donor and acceptor splice site variants typically lead to a loss of protein function (PMID: 16199547), and loss-of-function variants in CNTNAP2 are known to be pathogenic (PMID: 19896112, 21827697, 25045150, 26843181, 27439707). This variant has not been reported in the literature in individuals with CNTNAP2-related conditions. This variant is not present in population databases (ExAC no frequency).

Literature cited by the submitters: PubMed 16199547; PubMed 19896112; PubMed 21827697; PubMed 25045150; PubMed 26843181; PubMed 27439707.

NM_014141.6(CNTNAP2):c.98-1G>A

Gene: CNTNAP2 (contactin associated protein 2; plus strand). Cytogenetic location: 7q35.
Variant type: single nucleotide variant.
Coding change: c.98-1G>A on transcript NM_014141.6 (MANE Select); the canonical splice acceptor site of the intron before coding-DNA position 98, G replaced by A.
Molecular consequence: splice acceptor variant.
Genome position (GRCh38, 1-based): chr7:146,774,270, G>A. VCF-style: chr7-146774270-G-A. GRCh37 (hg19) VCF-style: chr7-146471362-G-A.
Identifiers: ClinVar variation 1068303 (VCV001068303.10), dbSNP rs2129185949, ClinGen allele CA369922214.